The following is an entry in ClinVar:

NM_002890.3(RASA1):c.2707C>T (p.Arg903Ter)

Genes: CCNH (cyclin H; minus strand), RASA1 (RAS p21 protein activator 1; plus strand). Cytogenetic location: 5q14.3.
Variant type: single nucleotide variant.
Coding change: c.2707C>T on transcript NM_002890.3 (MANE Select); coding-DNA position 2707, C replaced by T.
Protein change: p.Arg903Ter; replaces arginine 903 with a stop codon.
Molecular consequence: nonsense. On other transcripts: intron variant (1).
Genome position (GRCh38, 1-based): chr5:87,383,729, C>T. VCF-style: chr5-87383729-C-T. GRCh37 (hg19) VCF-style: chr5-86679546-C-T.
Other names: c.2176C>T, p.Arg726Ter (NM_022650.3); c.933+11315G>A (NM_001364075.2); short protein forms R903*, R726*.
Identifiers: ClinVar variation 464861 (VCV000464861.16), dbSNP rs1554050230, ClinGen allele CA360386283.

ClinVar aggregate classification (germline): Pathogenic. Review status: criteria provided, multiple submitters, no conflicts (2 of 4 stars). 4 submissions from 4 submitters: Pathogenic (4). Last evaluated 2025-05-17.

Conditions:
Capillary malformation-arteriovenous malformation syndrome. Also called: Capillary malformation-arteriovenous malformation. Identifiers: Orphanet 137667, MedGen C1842180, MONDO:0012016.
RASA1-related disorder. Also called: RASA1-related condition.
Capillary malformation-arteriovenous malformation 1 (CMAVM1). Identifiers: Orphanet 137667, Orphanet 693907, MedGen C4747394, MONDO:0020783, OMIM 608354.

Allele frequency attached by ClinVar (database versions not stated): gnomAD exomes below 0.00001.
gnomAD v4.1: 1 of 1,605,452 alleles (0.000062%); highest among the groups gnomAD compares: Non-Finnish European, 0.000085%; no homozygotes.

Submissions (4):

Clinical Genomics Laboratory, Washington University in St. Louis
Classification: Pathogenic for Capillary malformation-arteriovenous malformation 1. Last evaluated: 2025-05-17. Review status: criteria provided, single submitter. Criteria: Leon-Quintero et al. (Clin Genet. 2025). Collection method: clinical testing. Allele origin: somatic. Affected: yes.
Comment: A RASA1 c.2707C>T (p.Arg903*) variant was identified at an allelic fraction consistent with somatic origin. This variant has been reported in three individuals with capillary malformations with/without arteriovenous malformation (Grillner P et a., PMID: 26499346; Wooderchak-Donahue WL et al., PMID: 29891884). This variant has been reported in the ClinVar database as a germline pathogenic variant in capillary malformation-arteriovenous malformation syndrome by two submitters (ClinVar Variation ID: 464861). This variant is only observed on 1/1,605,452 alleles in the general population (gnomAD v4.1.0), indicating it is not a common variant. This variant results in a premature termination codon, which is predicted to lead to nonsense mediated decay. Based on an internally developed protocol informed by the ACMG/AMP guidelines (Leon-Quintero FZ, et al., PMID: 39434542) and gene-specific practices from the ClinGen Criteria Specification Registry (Leon-Quintero FZ et al., PMID: 39434542), the RASA1 c.2707C>T (p.Arg903*) variant is classified as pathogenic.

Labcorp Genetics (formerly Invitae), Labcorp
Classification: Pathogenic for Capillary malformation-arteriovenous malformation syndrome. Last evaluated: 2022-07-12. Review status: criteria provided, single submitter. Criteria: Invitae Variant Classification Sherloc (09022015). Collection method: clinical testing. Allele origin: germline.
Comment: For these reasons, this variant has been classified as Pathogenic. Algorithms developed to predict the effect of sequence changes on RNA splicing suggest that this variant may disrupt the consensus splice site. ClinVar contains an entry for this variant (Variation ID: 464861). This premature translational stop signal has been observed in individual(s) with capillary malformation-arteriovenous malformation (PMID: 24038909, 26499346). This variant is not present in population databases (gnomAD no frequency). This sequence change creates a premature translational stop signal (p.Arg903*) in the RASA1 gene. It is expected to result in an absent or disrupted protein product. Loss-of-function variants in RASA1 are known to be pathogenic (PMID: 24038909).

Blueprint Genetics
Classification: Pathogenic for RASA1-related disorders. Last evaluated: 2020-09-30. Review status: criteria provided, single submitter. Criteria: ACMG Guidelines, 2015. Collection method: clinical testing. Allele origin: germline. Affected: yes. Observed: 3 variant alleles.

Revvity Omics, Revvity
Classification: Pathogenic for Capillary malformation-arteriovenous malformation 1. Last evaluated: 2019-09-23. Review status: criteria provided, single submitter. Criteria: ACMG Guidelines, 2015. Collection method: clinical testing. Allele origin: germline.

Literature cited by the submitters: PubMed 24038909 (cited by Labcorp Genetics (formerly Invitae), Labcorp); PubMed 26499346 (cited by Labcorp Genetics (formerly Invitae), Labcorp).